The following is an entry in ClinVar:

NM_018117.12(WDR11):c.1708G>A (p.Ala570Thr)

Gene: WDR11 (WD repeat domain 11; plus strand). Cytogenetic location: 10q26.12.
Variant type: single nucleotide variant.
Coding change: c.1708G>A on transcript NM_018117.12 (MANE Select); coding-DNA position 1708, G replaced by A.
Protein change: p.Ala570Thr; replaces alanine 570 with threonine.
Molecular consequence: missense variant.
Genome position (GRCh38, 1-based): chr10:120,880,870, G>A. VCF-style: chr10-120880870-G-A. GRCh37 (hg19) VCF-style: chr10-122640382-G-A.
Other names: short protein forms A570T.
Identifiers: ClinVar variation 1306957 (VCV001306957.2), dbSNP rs893455923, ClinGen allele CA214284924.

ClinVar aggregate classification (germline): Uncertain significance (1 of 4 stars; one submission).

Allele frequency attached by ClinVar (database versions not stated): gnomAD 0.00001; gnomAD exomes 0.00001; TOPMed 0.00002.
gnomAD v4.1: 14 of 1,603,984 alleles (0.00087%); highest among the groups gnomAD compares: Non-Finnish European, 0.0012%; no homozygotes.

Submission:

GeneDx
Classification: Uncertain significance. Last evaluated: 2019-03-06. Review status: criteria provided, single submitter. Criteria: GeneDx Variant Classification Process June 2021. Collection method: clinical testing. Allele origin: germline. Affected: yes.
Comment: In silico analysis, which includes protein predictors and evolutionary conservation, supports that this variant does not alter protein structure/function; No data available from control populations to assess the frequency of this variant; Has not been previously published as pathogenic or benign to our knowledge